The following is an entry in ClinVar:

ClinVar aggregate classification (germline): Uncertain significance (1 of 4 stars; one submission).

Submission:

Labcorp Genetics (formerly Invitae), Labcorp
Classification: Uncertain significance. Last evaluated: 2024-04-10. Review status: criteria provided, single submitter. Criteria: Invitae Variant Classification Sherloc (09022015). Collection method: clinical testing. Allele origin: germline.
Comment: This variant, c.1063_1071del, results in the deletion of 3 amino acid(s) of the ARID1B protein (p.Gly355_Gly357del), but otherwise preserves the integrity of the reading frame. The frequency data for this variant in the population databases is considered unreliable, as metrics indicate insufficient coverage at this position in the gnomAD database. This variant has not been reported in the literature in individuals affected with ARID1B-related conditions. Experimental studies and prediction algorithms are not available or were not evaluated, and the functional significance of this variant is currently unknown. In summary, the available evidence is currently insufficient to determine the role of this variant in disease. Therefore, it has been classified as a Variant of Uncertain Significance.

NM_001374828.1(ARID1B):c.1303GGC[3] (p.Gly438_Gly440del)

Gene: ARID1B (AT-rich interaction domain 1B; plus strand). Cytogenetic location: 6q25.3.
Variant type: Microsatellite.
Coding change: c.1303GGC[3] on transcript NM_001374828.1 (MANE Select); three copies in a row of the 3-base unit GGC starting at c.1303; the reference has six copies in a row; three copies, 9 bases deleted.
Protein change: p.Gly438_Gly440del.
Molecular consequence: inframe deletion. On other transcripts: inframe indel (3).
Genome position (GRCh38, 1-based): chr6:156,778,992-156,779,000, GGCGGCGGC deleted; deleting any 9 consecutive bases within chr6:156,778,983-156,779,000 gives the same sequence; the position shown is the placement nearest the transcript's 3' end. VCF-style (leftmost placement, unchanged base first): chr6-156778982-AGGCGGCGGC-A. GRCh37 (hg19) VCF-style: chr6-157100116-AGGCGGCGGC-A.
Other names: c.1054_1056GGC[3], p.Gly355_Gly357del (NM_001346813.1, NM_020732.3); c.1303GGC[3], p.Gly438_Gly440del (NM_001371656.1, NM_001374820.1, NM_017519.3); c.880_882GGC[3], p.Gly297_Gly299del (NM_175863.2).
Identifiers: ClinVar variation 2076647 (VCV002076647.4), dbSNP rs797045268, ClinGen allele CA452989124.